The following is an entry in ClinVar:

NM_021956.5(GRIK2):c.1990A>G (p.Met664Val)

Gene: GRIK2 (glutamate ionotropic receptor kainate type subunit 2; plus strand). Cytogenetic location: 6q16.3.
Variant type: single nucleotide variant.
Coding change: c.1990A>G on transcript NM_021956.5 (MANE Select); coding-DNA position 1990, A replaced by G.
Protein change: p.Met664Val; replaces methionine 664 with valine.
Molecular consequence: missense variant.
Genome position (GRCh38, 1-based): chr6:101,928,537, A>G. VCF-style: chr6-101928537-A-G. GRCh37 (hg19) VCF-style: chr6-102376412-A-G.
Other names: c.1990A>G, p.Met664Val (NM_001166247.1, NM_175768.3); short protein forms M664V.
Identifiers: ClinVar variation 1802026 (VCV001802026.1), dbSNP rs1790058861, ClinGen allele CA365308526.

ClinVar aggregate classification (germline): Uncertain significance (1 of 4 stars; one submission).

Allele frequency attached by ClinVar (database versions not stated): gnomAD exomes below 0.00001; TOPMed below 0.00001; gnomAD 0.00001.
gnomAD v4.1: 4 of 1,604,448 alleles (0.00025%); highest among the groups gnomAD compares: Non-Finnish European, 0.00034%; no homozygotes.

Submission:

GeneDx
Classification: Uncertain significance. Last evaluated: 2022-06-03. Review status: criteria provided, single submitter. Criteria: GeneDx Variant Classification Process June 2021. Collection method: clinical testing. Allele origin: germline. Affected: yes.
Comment: Not observed at significant frequency in large population cohorts (gnomAD); In silico analysis supports that this missense variant has a deleterious effect on protein structure/function; Has not been previously published as pathogenic or benign to our knowledge